The following is an entry in ClinVar:

NM_000147.5(FUCA1):c.377C>T (p.Ala126Val)

Genes: FUCA1 (alpha-L-fucosidase 1; minus strand), LOC129929685 (ATAC-STARR-seq lymphoblastoid silent region 427; plus strand). Cytogenetic location: 1p36.11.
Variant type: single nucleotide variant.
Coding change: c.377C>T on transcript NM_000147.5 (MANE Select); coding-DNA position 377, C replaced by T.
Protein change: p.Ala126Val; replaces alanine 126 with valine.
Molecular consequence: missense variant.
Genome position (GRCh38, 1-based): chr1:23,867,910, G>A on the plus strand (C>T on the coding strand, the complement: FUCA1 is on the minus strand). VCF-style: chr1-23867910-G-A. GRCh37 (hg19) VCF-style: chr1-24194400-G-A.
Other names: short protein forms A126V.
Identifiers: ClinVar variation 1498344 (VCV001498344.5), dbSNP rs780117609, ClinGen allele CA19283230.

ClinVar aggregate classification (germline): Uncertain significance (1 of 4 stars; one submission).

Conditions:
Fucosidosis. Also called: ALPHA-L-FUCOSIDASE DEFICIENCY. Identifiers: Orphanet 349, MedGen C0016788, MONDO:0009254, OMIM 230000.

Allele frequency attached by ClinVar (database versions not stated): TOPMed below 0.00001.

Submission:

Labcorp Genetics (formerly Invitae), Labcorp
Classification: Uncertain significance for Fucosidosis. Last evaluated: 2021-08-20. Review status: criteria provided, single submitter. Criteria: Invitae Variant Classification Sherloc (09022015). Collection method: clinical testing. Allele origin: germline.
Comment: This sequence change replaces alanine with valine at codon 126 of the FUCA1 protein (p.Ala126Val). The alanine residue is moderately conserved and there is a small physicochemical difference between alanine and valine. The frequency data for this variant in the population databases is considered unreliable, as metrics indicate insufficient coverage at this position in the ExAC database. This variant has not been reported in the literature in individuals affected with FUCA1-related conditions. Algorithms developed to predict the effect of missense changes on protein structure and function (SIFT, PolyPhen-2, Align-GVGD) all suggest that this variant is likely to be tolerated. In summary, the available evidence is currently insufficient to determine the role of this variant in disease. Therefore, it has been classified as a Variant of Uncertain Significance.